The following is an entry in ClinVar:

NM_004370.6(COL12A1):c.5145C>A (p.Asn1715Lys)

Gene: COL12A1 (collagen type XII alpha 1 chain; minus strand). Cytogenetic location: 6q13.
Variant type: single nucleotide variant.
Coding change: c.5145C>A on transcript NM_004370.6 (MANE Select); coding-DNA position 5145, C replaced by A.
Protein change: p.Asn1715Lys; replaces asparagine 1715 with lysine.
Molecular consequence: missense variant.
Genome position (GRCh38, 1-based): chr6:75,138,533, G>T on the plus strand (C>A on the coding strand, the complement: COL12A1 is on the minus strand). VCF-style: chr6-75138533-G-T. GRCh37 (hg19) VCF-style: chr6-75848249-G-T.
Other names: c.5145C>A, p.Asn1715Lys (NM_001424113.1, NM_001424114.1); c.4872C>A, p.Asn1624Lys (NM_001424115.1); c.1653C>A, p.Asn551Lys (NM_001424116.1, NM_080645.3); short protein forms N1624K, N1715K, N551K.
Identifiers: ClinVar variation 3495066 (VCV003495066.3).

ClinVar aggregate classification (germline): Uncertain significance. Review status: criteria provided, multiple submitters, no conflicts (2 of 4 stars). 2 submissions from 2 submitters: Uncertain significance (2). Last evaluated 2024-11-24.

Conditions:
Inborn genetic diseases. Identifiers: MedGen C0950123, MeSH D030342.
Bethlem myopathy 2 (BTHLM2). Identifiers: Orphanet 536516, Orphanet 610, MedGen C4225313, MONDO:0034022, OMIM 616471.
Ullrich congenital muscular dystrophy 2 (UCMD2). Identifiers: Orphanet 75840, MedGen C4225314, MONDO:0014654, OMIM 616470.

Submissions (2):

Ambry Genetics
Classification: Uncertain significance for Inborn genetic diseases. Last evaluated: 2024-11-24. Review status: criteria provided, single submitter. Criteria: Ambry Variant Classification Scheme 2023. Collection method: clinical testing. Allele origin: germline.

Labcorp Genetics (formerly Invitae), Labcorp
Classification: Uncertain significance for Bethlem myopathy 2; Ullrich congenital muscular dystrophy 2. Last evaluated: 2024-07-24. Review status: criteria provided, single submitter. Criteria: Invitae Variant Classification Sherloc (09022015). Collection method: clinical testing. Allele origin: germline.
Comment: This sequence change replaces asparagine, which is neutral and polar, with lysine, which is basic and polar, at codon 1715 of the COL12A1 protein (p.Asn1715Lys). This variant is not present in population databases (gnomAD no frequency). This variant has not been reported in the literature in individuals affected with COL12A1-related conditions. Advanced modeling of protein sequence and biophysical properties (such as structural, functional, and spatial information, amino acid conservation, physicochemical variation, residue mobility, and thermodynamic stability) performed at Invitae indicates that this missense variant is not expected to disrupt COL12A1 protein function with a negative predictive value of 80%. In summary, the available evidence is currently insufficient to determine the role of this variant in disease. Therefore, it has been classified as a Variant of Uncertain Significance.